The following is an entry in ClinVar:

NM_145038.5(DRC1):c.5A>T (p.Asn2Ile)

Gene: DRC1 (dynein regulatory complex subunit 1; plus strand). Cytogenetic location: 2p23.3.
Variant type: single nucleotide variant.
Coding change: c.5A>T on transcript NM_145038.5 (MANE Select); coding-DNA position 5, A replaced by T.
Protein change: p.Asn2Ile; replaces asparagine 2 with isoleucine.
Molecular consequence: missense variant.
Genome position (GRCh38, 1-based): chr2:26,401,994, A>T. VCF-style: chr2-26401994-A-T. GRCh37 (hg19) VCF-style: chr2-26624862-A-T.
Other names: short protein forms N2I.
Identifiers: ClinVar variation 2171531 (VCV002171531.2), dbSNP rs2465338579, ClinGen allele CA346125141.
Genomic context (GRCh38, chr2:26,401,994, plus strand): 5'-GCCTGAGGTCTGGAGGTGGTGCGGAGGGAGCCGCCTAGGGACCAGGGACTCCTGCCATGA[A>T]TCCGCCGGGGTCCCTAGAGGCCCTGGACCCGAACGTGGACGAGCACTTGTCCACCCAGAT-3'
Protein context (NP_659475.2, residues 1-12): M[Asn2Ile]PPGSLEALDP

ClinVar aggregate classification (germline): Uncertain significance (1 of 4 stars; one submission).

Conditions:
Primary ciliary dyskinesia. Also called: Ciliary dyskinesia. Identifiers: Orphanet 244, MedGen C0008780, MONDO:0016575, HP:0012265.

Submission:

Labcorp Genetics (formerly Invitae), Labcorp
Classification: Uncertain significance for Primary ciliary dyskinesia. Last evaluated: 2023-06-25. Review status: criteria provided, single submitter. Criteria: Invitae Variant Classification Sherloc (09022015). Collection method: clinical testing. Allele origin: germline.
Comment: In summary, the available evidence is currently insufficient to determine the role of this variant in disease. Therefore, it has been classified as a Variant of Uncertain Significance. An algorithm developed to predict the effect of missense changes on protein structure and function (PolyPhen-2) suggests that this variant is likely to be disruptive. ClinVar contains an entry for this variant (Variation ID: 2171531). This variant has not been reported in the literature in individuals affected with DRC1-related conditions. This variant is not present in population databases (gnomAD no frequency). This sequence change replaces asparagine, which is neutral and polar, with isoleucine, which is neutral and non-polar, at codon 2 of the DRC1 protein (p.Asn2Ile).